The following is an entry in ClinVar:

NM_015450.3(POT1):c.1581T>C (p.Ser527=)

Gene: POT1 (protection of telomeres 1; minus strand). Cytogenetic location: 7q31.33.
Variant type: single nucleotide variant.
Coding change: c.1581T>C on transcript NM_015450.3 (MANE Select); coding-DNA position 1581, T replaced by C.
Protein change: p.Ser527=; no amino-acid change (serine 527 retained).
Molecular consequence: synonymous variant. On other transcripts: non-coding transcript variant (2).
Genome position (GRCh38, 1-based): chr7:124,829,267, A>G on the plus strand (T>C on the coding strand, the complement: POT1 is on the minus strand). VCF-style: chr7-124829267-A-G. GRCh37 (hg19) VCF-style: chr7-124469321-A-G.
Other names: c.1188T>C, p.Ser396= (NM_001042594.2).
Identifiers: ClinVar variation 3782012 (VCV003782012.1).

ClinVar aggregate classification (germline): Uncertain significance (1 of 4 stars; one submission).

Conditions:
Hereditary cancer-predisposing syndrome. Also called: Neoplastic Syndromes, Hereditary; Hereditary Cancer Syndrome; Tumor predisposition; Hereditary neoplastic syndrome. Identifiers: Orphanet 140162, MedGen C0027672, MeSH D009386, MONDO:0015356.

Submission:

Ambry Genetics
Classification: Uncertain significance for Hereditary cancer-predisposing syndrome. Last evaluated: 2025-03-01. Review status: criteria provided, single submitter. Criteria: Ambry Variant Classification Scheme 2023. Collection method: clinical testing. Allele origin: germline.
Comment: The c.1581T>C variant (also known as p.S527S), located in coding exon 12 of the POT1 gene, results from a T to C substitution at nucleotide position 1581. This nucleotide substitution does not change the amino acid at codon 527. This nucleotide position is well conserved in available vertebrate species. In silico splice site analysis for this alteration is inconclusive and direct evidence is insufficient at this time (Ambry internal data). Based on the available evidence, the clinical significance of this variant remains unclear.